The following is an entry in ClinVar:

ClinVar aggregate classification (germline): Uncertain significance (1 of 4 stars; one submission).

Conditions:
Dilated cardiomyopathy 1W (CMD1W). Identifiers: Orphanet 154, MedGen C1969639, MONDO:0012667, OMIM 611407.

Allele frequency attached by ClinVar (database versions not stated): TOPMed below 0.00001; gnomAD 0.00001.
gnomAD v4.1: 1 of 1,614,028 alleles (0.000062%); highest among the groups gnomAD compares: Non-Finnish European, 0.000085%; no homozygotes.

Submission:

Labcorp Genetics (formerly Invitae), Labcorp
Classification: Uncertain significance for Dilated cardiomyopathy 1W. Last evaluated: 2022-09-20. Review status: criteria provided, single submitter. Criteria: Invitae Variant Classification Sherloc (09022015). Collection method: clinical testing. Allele origin: germline.
Comment: In summary, the available evidence is currently insufficient to determine the role of this variant in disease. Therefore, it has been classified as a Variant of Uncertain Significance. Algorithms developed to predict the effect of missense changes on protein structure and function are either unavailable or do not agree on the potential impact of this missense change (SIFT: "Not Available"; PolyPhen-2: "Probably Damaging"; Align-GVGD: "Not Available"). This variant has not been reported in the literature in individuals affected with VCL-related conditions. This variant is not present in population databases (gnomAD no frequency). This sequence change replaces glycine, which is neutral and non-polar, with glutamic acid, which is acidic and polar, at codon 454 of the VCL protein (p.Gly454Glu).

NM_014000.3(VCL):c.1361G>A (p.Gly454Glu)

Gene: VCL (vinculin; plus strand). Cytogenetic location: 10q22.2.
Variant type: single nucleotide variant.
Coding change: c.1361G>A on transcript NM_014000.3 (MANE Select); coding-DNA position 1361, G replaced by A.
Protein change: p.Gly454Glu; replaces glycine 454 with glutamic acid.
Molecular consequence: missense variant.
Genome position (GRCh38, 1-based): chr10:74,094,279, G>A. VCF-style: chr10-74094279-G-A. GRCh37 (hg19) VCF-style: chr10-75854037-G-A.
Other names: c.1361G>A, p.Gly454Glu (NM_003373.4); short protein forms G454E.
Identifiers: ClinVar variation 1718910 (VCV001718910.5), dbSNP rs1331767225, ClinGen allele CA377273655.